The following is an entry in ClinVar:

ClinVar aggregate classification (germline): Likely benign. Review status: criteria provided, single submitter (1 of 4 stars). 2 submissions from 2 submitters: Likely benign (1). 1 of the submissions does not count toward it. Last evaluated 2025-11-20.

Conditions:
ACOX2-related disorder. Also called: ACOX2-related condition.

Allele frequency attached by ClinVar (database versions not stated): ExAC 0.00002; gnomAD exomes 0.00002; gnomAD 0.00003; TOPMed 0.00003.
gnomAD v4.1: 38 of 1,614,074 alleles (0.0024%); highest among the groups gnomAD compares: African/African-American, 0.0053%; no homozygotes.

Submissions (2):

Labcorp Genetics (formerly Invitae), Labcorp
Classification: Likely benign. Last evaluated: 2025-11-20. Review status: criteria provided, single submitter. Criteria: Invitae Variant Classification Sherloc (09022015). Collection method: clinical testing. Allele origin: germline.

PreventionGenetics, part of Exact Sciences
Classification: Likely benign for ACOX2-related condition. Last evaluated: 2019-09-19. Review status: no assertion criteria provided. Collection method: clinical testing. Allele origin: germline. Not counted in ClinVar's aggregate classification.
Comment: This variant is classified as likely benign based on ACMG/AMP sequence variant interpretation guidelines (Richards et al. 2015 PMID: 25741868, with internal and published modifications).

NM_003500.4(ACOX2):c.96C>T (p.Asp32=)

Gene: ACOX2 (acyl-CoA oxidase 2; minus strand). Cytogenetic location: 3p14.3.
Variant type: single nucleotide variant.
Coding change: c.96C>T on transcript NM_003500.4 (MANE Select); coding-DNA position 96, C replaced by T.
Protein change: p.Asp32=; no amino-acid change (aspartic acid 32 retained).
Molecular consequence: synonymous variant.
Genome position (GRCh38, 1-based): chr3:58,535,011, G>A on the plus strand (C>T on the coding strand, the complement: ACOX2 is on the minus strand). VCF-style: chr3-58535011-G-A. GRCh37 (hg19) VCF-style: chr3-58520738-G-A.
Identifiers: ClinVar variation 3041099 (VCV003041099.3), dbSNP rs777745810, ClinGen allele CA2472543.